The following is an entry in ClinVar:

ClinVar aggregate classification (germline): Uncertain significance. Review status: criteria provided, multiple submitters, no conflicts (2 of 4 stars). 2 submissions from 2 submitters: Uncertain significance (2). Last evaluated 2023-06-02.

Conditions:
Inborn genetic diseases. Identifiers: MedGen C0950123, MeSH D030342.
Peroxisome biogenesis disorder. Identifiers: Orphanet 79189, MedGen C1832200, MONDO:0019234. Disease mechanism: loss of function.

Allele frequency attached by ClinVar (database versions not stated): gnomAD exomes below 0.00001; TOPMed below 0.00001; ExAC 0.00001; gnomAD 0.00001.
gnomAD v4.1: 8 of 1,613,414 alleles (0.0005%); highest among the groups gnomAD compares: Non-Finnish European, 0.00051%; no homozygotes.

Submissions (2):

Ambry Genetics
Classification: Uncertain significance for Inborn genetic diseases. Last evaluated: 2023-06-02. Review status: criteria provided, single submitter. Criteria: Ambry Variant Classification Scheme 2023. Collection method: clinical testing. Allele origin: germline.

Labcorp Genetics (formerly Invitae), Labcorp
Classification: Uncertain significance for Peroxisome biogenesis disorder. Last evaluated: 2021-09-24. Review status: criteria provided, single submitter. Criteria: Invitae Variant Classification Sherloc (09022015). Collection method: clinical testing. Allele origin: germline.
Comment: This sequence change replaces methionine with threonine at codon 321 of the PEX16 protein (p.Met321Thr). The methionine residue is moderately conserved and there is a moderate physicochemical difference between methionine and threonine. This variant is present in population databases (rs758636115, ExAC 0.002%). This variant has not been reported in the literature in individuals affected with PEX16-related conditions. Algorithms developed to predict the effect of missense changes on protein structure and function are either unavailable or do not agree on the potential impact of this missense change (SIFT: "Tolerated"; PolyPhen-2: "Possibly Damaging"; Align-GVGD: "Class C0"). In summary, the available evidence is currently insufficient to determine the role of this variant in disease. Therefore, it has been classified as a Variant of Uncertain Significance.

NM_004813.4(PEX16):c.962T>C (p.Met321Thr)

Gene: PEX16 (peroxisomal biogenesis factor 16; minus strand). Cytogenetic location: 11p11.2.
Variant type: single nucleotide variant.
Coding change: c.962T>C on transcript NM_004813.4 (MANE Select); coding-DNA position 962, T replaced by C.
Protein change: p.Met321Thr; replaces methionine 321 with threonine.
Molecular consequence: missense variant. On other transcripts: intron variant (1).
Genome position (GRCh38, 1-based): chr11:45,910,303, A>G on the plus strand (T>C on the coding strand, the complement: PEX16 is on the minus strand). VCF-style: chr11-45910303-A-G. GRCh37 (hg19) VCF-style: chr11-45931854-A-G.
Other names: c.962T>C (NM_004813.2); c.953-126T>C (NM_057174.3); short protein forms M321T.
Identifiers: ClinVar variation 1017260 (VCV001017260.9), dbSNP rs758636115, ClinGen allele CA5959723.
Genomic context (GRCh38, chr11:45,910,303, plus strand): 5'-CGGGAGGTCTGTCAGCCCCAACTGTAGAAGTAGATTTTCTGCCAGGTGGGCAAGTAATCC[A>G]TGAGCGGCCCTGCAGTGGGAGAGGGACACATCAGGGCAGGCCAGACCCCAATCTGCACTG-3'
Protein context (NP_004804.2, residues 311-331): PGVGLVTRPL[Met321Thr]DYLPTWQKIY